The following is an entry in ClinVar:

NM_002878.4(RAD51D):c.763A>G (p.Arg255Gly)

Genes: RAD51L3-RFFL (RAD51L3-RFFL readthrough; minus strand), RAD51D (RAD51 paralog D; minus strand). Cytogenetic location: 17q12.
Variant type: single nucleotide variant.
Coding change: c.763A>G on transcript NM_002878.4 (MANE Select); coding-DNA position 763, A replaced by G.
Protein change: p.Arg255Gly; replaces arginine 255 with glycine.
Molecular consequence: missense variant. On other transcripts: non-coding transcript variant (3).
Genome position (GRCh38, 1-based): chr17:35,101,341, T>C on the plus strand (A>G on the coding strand, the complement: RAD51D is on the minus strand). VCF-style: chr17-35101341-T-C. GRCh37 (hg19) VCF-style: chr17-33428360-T-C.
Other names: c.823A>G, p.Arg275Gly (NM_001142571.2); c.427A>G, p.Arg143Gly (NM_133629.3); short protein forms R255G, R275G, R143G.
Identifiers: ClinVar variation 410553 (VCV000410553.6), dbSNP rs1060502953, ClinGen allele CA16615712.

ClinVar aggregate classification (germline): Uncertain significance. Review status: criteria provided, multiple submitters, no conflicts (2 of 4 stars). 2 submissions from 2 submitters: Uncertain significance (2). Last evaluated 2024-04-12.

Conditions:
Hereditary cancer-predisposing syndrome. Also called: Tumor predisposition; Hereditary Cancer Syndrome; Hereditary neoplastic syndrome; Neoplastic Syndromes, Hereditary. Identifiers: Orphanet 140162, MedGen C0027672, MeSH D009386, MONDO:0015356.
Breast-ovarian cancer, familial, susceptibility to, 4. Identifiers: Orphanet 145, MedGen C3280345, MONDO:0013669, OMIM 614291.

Submissions (2):

Ambry Genetics
Classification: Uncertain significance for Hereditary cancer-predisposing syndrome. Last evaluated: 2024-04-12. Review status: criteria provided, single submitter. Criteria: Ambry Variant Classification Scheme 2023. Collection method: clinical testing. Allele origin: germline.
Comment: The p.R255G variant (also known as c.763A>G), located in coding exon 9 of the RAD51D gene, results from an A to G substitution at nucleotide position 763. The arginine at codon 255 is replaced by glycine, an amino acid with dissimilar properties. This amino acid position is conserved. In addition, this alteration is predicted to be tolerated by in silico analysis. Based on the available evidence, the clinical significance of this variant remains unclear.

Labcorp Genetics (formerly Invitae), Labcorp
Classification: Uncertain significance for Breast-ovarian cancer, familial, susceptibility to, 4. Last evaluated: 2016-05-03. Review status: criteria provided, single submitter. Criteria: Invitae Variant Classification Sherloc (09022015). Collection method: clinical testing. Allele origin: germline.
Comment: In summary, this variant is a novel missense change that is not predicted to affect protein function. There is no indication that it causes disease, but the available evidence is currently insufficient to prove that conclusively. Therefore, it has been classified as a Variant of Uncertain Significance. Algorithms developed to predict the effect of missense changes on protein structure and function (SIFT, PolyPhen-2, Align-GVGD) all suggest that this variant is likely to be tolerated, but these predictions have not been confirmed by published functional studies. This variant is not present in population databases (ExAC no frequency) and has not been reported in the literature in individuals with a RAD51D-related disease. This sequence change replaces arginine with glycine at codon 255 of the RAD51D protein (p.Arg255Gly). The arginine residue is weakly conserved and there is a moderate physicochemical difference between arginine and glycine.